The following is an entry in ClinVar:

NM_001165963.4(SCN1A):c.795del (p.Leu266fs)

Gene: SCN1A (sodium voltage-gated channel alpha subunit 1; minus strand). Cytogenetic location: 2q24.3.
Variant type: Deletion.
Coding change: c.795del on transcript NM_001165963.4 (MANE Select); coding-DNA position 795, one base deleted (G; older notation c.795delG).
Protein change: p.Leu266fs; shifts the reading frame from leucine 266.
Molecular consequence: frameshift variant. On other transcripts: 5 prime UTR variant (1), non-coding transcript variant (1).
Genome position (GRCh38, 1-based): chr2:166,051,888, C deleted on the plus strand (G on the coding strand, the reverse complement: SCN1A is on the minus strand); the first of 3 consecutive C bases (chr2:166,051,888-166,051,890); deleting any one gives the same sequence. VCF-style (leftmost placement, unchanged base first): chr2-166051887-GC-G. GRCh37 (hg19) VCF-style: chr2-166908397-GC-G.
Other names: c.795del, p.Leu266fs (NM_001165964.3, NM_001202435.3, NM_001353948.2 and 10 more transcripts); c.-1631del (NM_001353961.2); short protein forms L266fs.
Identifiers: ClinVar variation 4856058 (VCV004856058.1).

ClinVar aggregate classification (germline): Likely pathogenic (1 of 4 stars; one submission).

Conditions:
SCN1A-related disorder. Also called: SCN1A-related conditions; SCN1A-related condition; SCN1A-related disorders.

Submission:

3billion
Classification: Likely pathogenic for SCN1A-related disorder. Last evaluated: 2025-05-19. Review status: criteria provided, single submitter. Criteria: ACMG Guidelines, 2015. Collection method: clinical testing. Allele origin: germline. Affected: yes.
Comment: The variant is not observed in the gnomAD v4.1.0 dataset. Predicted Consequence/Location: Frameshift: predicted to result in a loss or disruption of normal protein function through nonsense-mediated decay (NMD) or protein truncation. Multiple pathogenic variants are reported downstream of the variant. Therefore, this variant is classified as Likely pathogenic according to the recommendation of ACMG/AMP guideline.